The following is an entry in ClinVar:

NM_000135.4(FANCA):c.3331T>G (p.Leu1111Val)

Gene: FANCA (FA complementation group A; minus strand). Cytogenetic location: 16q24.3.
Variant type: single nucleotide variant.
Coding change: c.3331T>G on transcript NM_000135.4 (MANE Select); coding-DNA position 3331, T replaced by G.
Protein change: p.Leu1111Val; replaces leucine 1111 with valine.
Molecular consequence: missense variant.
Genome position (GRCh38, 1-based): chr16:89,748,676, A>C on the plus strand (T>G on the coding strand, the complement: FANCA is on the minus strand). VCF-style: chr16-89748676-A-C. GRCh37 (hg19) VCF-style: chr16-89815084-A-C.
Other names: c.3331T>G, p.Leu1111Val (NM_001286167.3); short protein forms L1111V.
Identifiers: ClinVar variation 2879737 (VCV002879737.4), dbSNP rs754976082, ClinGen allele CA8251232.
Genomic context (GRCh38, chr16:89,748,676, plus strand): 5'-GGCACTGACAGATCGGACGGACACGTGCACACGGGGCACCTACCATCTCAGAGTTGACCA[A>C]GTGGAAGAACTGCTCGCATCTGGCAGTGATGGGCTGTTCTGCCTGGAAGCTGCTGCCGCA-3'
Protein context (NP_000126.2, residues 1101-1121): ITARCEQFFH[Leu1111Val]VNSEMRNFCS

ClinVar aggregate classification (germline): Uncertain significance. Review status: criteria provided, multiple submitters, no conflicts (2 of 4 stars). 2 submissions from 2 submitters: Uncertain significance (2). Last evaluated 2024-12-26.

Conditions:
Fanconi anemia (FA). Also called: Fanconi's anemia. Identifiers: Orphanet 84, MedGen C0015625, MeSH D005199, MONDO:0019391.
Inborn genetic diseases. Identifiers: MedGen C0950123, MeSH D030342.

Allele frequency attached by ClinVar (database versions not stated): ExAC 0.00001; gnomAD exomes 0.00001.
gnomAD v4.1: 9 of 1,614,072 alleles (0.00056%); highest among the groups gnomAD compares: Non-Finnish European, 0.00076%; no homozygotes.

Submissions (2):

Ambry Genetics
Classification: Uncertain significance for Inborn genetic diseases. Last evaluated: 2024-12-26. Review status: criteria provided, single submitter. Criteria: Ambry Variant Classification Scheme 2023. Collection method: clinical testing. Allele origin: germline.
Comment: The p.L1111V variant (also known as c.3331T>G), located in coding exon 33 of the FANCA gene, results from a T to G substitution at nucleotide position 3331. The leucine at codon 1111 is replaced by valine, an amino acid with highly similar properties. This amino acid position is conserved. In addition, this alteration is predicted to be tolerated by in silico analysis. Based on the available evidence, the clinical significance of this variant remains unclear.

Labcorp Genetics (formerly Invitae), Labcorp
Classification: Uncertain significance for Fanconi anemia. Last evaluated: 2024-01-18. Review status: criteria provided, single submitter. Criteria: Invitae Variant Classification Sherloc (09022015). Collection method: clinical testing. Allele origin: germline.
Comment: This sequence change replaces leucine, which is neutral and non-polar, with valine, which is neutral and non-polar, at codon 1111 of the FANCA protein (p.Leu1111Val). This variant is present in population databases (rs754976082, gnomAD 0.007%). This variant has not been reported in the literature in individuals affected with FANCA-related conditions. Advanced modeling of protein sequence and biophysical properties (such as structural, functional, and spatial information, amino acid conservation, physicochemical variation, residue mobility, and thermodynamic stability) performed at Invitae indicates that this missense variant is expected to disrupt FANCA protein function with a positive predictive value of 80%. In summary, the available evidence is currently insufficient to determine the role of this variant in disease. Therefore, it has been classified as a Variant of Uncertain Significance.